The following is an entry in ClinVar:

NM_015047.3(EMC1):c.266C>A (p.Ala89Asp)

Gene: EMC1 (ER membrane protein complex subunit 1; minus strand). Cytogenetic location: 1p36.13.
Variant type: single nucleotide variant.
Coding change: c.266C>A on transcript NM_015047.3 (MANE Select); coding-DNA position 266, C replaced by A.
Protein change: p.Ala89Asp; replaces alanine 89 with aspartic acid.
Molecular consequence: missense variant. On other transcripts: intron variant (1).
Genome position (GRCh38, 1-based): chr1:19,243,970, G>T on the plus strand (C>A on the coding strand, the complement: EMC1 is on the minus strand). VCF-style: chr1-19243970-G-T. GRCh37 (hg19) VCF-style: chr1-19570464-G-T.
Other names: c.266C>A, p.Ala89Asp (NM_001271427.2, NM_001271428.2, NM_001375820.1 and 1 more transcripts); c.221-263C>A (NM_001271429.2); short protein forms A89D.
Identifiers: ClinVar variation 4811366 (VCV004811366.1).
Genomic context (GRCh38, chr1:19,243,970, plus strand): 5'-AGCTGGCCGCACAATGGAGACACGGGAGGACTCTGCTTACCCTGTCCGTGCAGCAGCATG[G>T]CATCCACAGCCCCTTCTGCCGTGCCCTTGTCAACATGGCGCCACACTGAGAGACATGAAA-3'
Protein context (NP_055862.1, residues 79-99): DKGTAEGAVD[Ala89Asp]MLLHGQDVIT

ClinVar aggregate classification (germline): Uncertain significance (1 of 4 stars; one submission).

gnomAD v4.1: 5 of 1,614,060 alleles (0.00031%); highest among the groups gnomAD compares: Non-Finnish European, 0.00042%; no homozygotes.

Submission:

Labcorp Genetics (formerly Invitae), Labcorp
Classification: Uncertain significance. Last evaluated: 2025-05-27. Review status: criteria provided, single submitter. Criteria: Invitae Variant Classification Sherloc (09022015). Collection method: clinical testing. Allele origin: germline.
Comment: This sequence change replaces alanine, which is neutral and non-polar, with aspartic acid, which is acidic and polar, at codon 89 of the EMC1 protein (p.Ala89Asp). This variant is present in population databases (no rsID available, gnomAD 0.0009%). This variant has not been reported in the literature in individuals affected with EMC1-related conditions. Invitae Evidence Modeling of protein sequence and biophysical properties (such as structural, functional, and spatial information, amino acid conservation, physicochemical variation, residue mobility, and thermodynamic stability) indicates that this missense variant is not expected to disrupt EMC1 protein function with a negative predictive value of 80%. In summary, the available evidence is currently insufficient to determine the role of this variant in disease. Therefore, it has been classified as a Variant of Uncertain Significance.